The following is an entry in ClinVar:

NM_004991.4(MECOM):c.1036C>T (p.Arg346Trp)

Gene: MECOM (MDS1 and EVI1 complex locus; minus strand). Cytogenetic location: 3q26.2.
Variant type: single nucleotide variant.
Coding change: c.1036C>T on transcript NM_004991.4 (MANE Select); coding-DNA position 1036, C replaced by T.
Protein change: p.Arg346Trp; replaces arginine 346 with tryptophan.
Molecular consequence: missense variant.
Genome position (GRCh38, 1-based): chr3:169,121,152, G>A on the plus strand (C>T on the coding strand, the complement: MECOM is on the minus strand). VCF-style: chr3-169121152-G-A. GRCh37 (hg19) VCF-style: chr3-168838940-G-A.
Other names: c.667C>T, p.Arg223Trp (NM_001105077.4); c.472C>T, p.Arg158Trp (NM_001105078.4, NM_001164000.2, NM_001205194.2 and 5 more transcripts); c.475C>T, p.Arg159Trp (NM_001163999.2, NM_001366467.2, NM_001366468.2 and 1 more transcripts); c.1036C>T, p.Arg346Trp (NM_001366466.2, NM_001366473.2); short protein forms R158W, R159W, R346W, R223W.
Identifiers: ClinVar variation 3871713 (VCV003871713.1).

ClinVar aggregate classification (germline): Uncertain significance (1 of 4 stars; one submission).

Conditions:
Inborn genetic diseases. Identifiers: MedGen C0950123, MeSH D030342.

gnomAD v4.1: 9 of 1,613,346 alleles (0.00056%); highest among the groups gnomAD compares: Admixed American, 0.0067%; no homozygotes.

Submission:

Ambry Genetics
Classification: Uncertain significance for Inborn genetic diseases. Last evaluated: 2025-01-14. Review status: criteria provided, single submitter. Criteria: Ambry Variant Classification Scheme 2023. Collection method: clinical testing. Allele origin: germline.
Comment: The p.R346W variant (also known as c.1036C>T), located in coding exon 7 of the MECOM gene, results from a C to T substitution at nucleotide position 1036. The arginine at codon 346 is replaced by tryptophan, an amino acid with dissimilar properties. This amino acid position is conserved. In addition, this alteration is predicted to be deleterious by in silico analysis. Based on the available evidence, the clinical significance of this variant remains unclear.